The following is an entry in ClinVar:

ClinVar aggregate classification (germline): Pathogenic. Review status: criteria provided, multiple submitters, no conflicts (2 of 4 stars). 5 submissions from 5 submitters: Pathogenic (5). Last evaluated 2025-10-09.

Conditions:
Polycystic kidney disease, adult type (PKD1). Also called: POLYCYSTIC KIDNEY DISEASE, ADULT, TYPE I; Polycystic Kidney Disease 1, Autosomal Dominant; Polycystic kidney disease 1; Polycystic kidney disease 1, severe; Polycystic Kidney, Autosomal Dominant; POLYCYSTIC KIDNEY DISEASE 1 WITH OR WITHOUT POLYCYSTIC LIVER DISEASE. Identifiers: MedGen C3149841, MONDO:0008263, OMIM 173900.

Submissions (5):

Victorian Clinical Genetics Services, Murdoch Childrens Research Institute
Classification: Pathogenic for Polycystic kidney disease, adult type. Last evaluated: 2025-10-09. Review status: criteria provided, single submitter. Criteria: ACMG Guidelines, 2015. Collection method: clinical testing. Allele origin: germline. Affected: yes.
Comment: This variant is classified as Pathogenic. Evidence in support of pathogenic classification: Variant is predicted to cause nonsense-mediated decay (NMD) and loss of protein (premature termination codon is located at least 54 nucleotides upstream of the final exon-exon junction); Variant is present in gnomAD <0.001 for a dominant condition (v4: 1 heterozygote(s), 0 homozygote(s)); This variant has moderate previous evidence of pathogenicity in unrelated individuals. This variant has been classified as pathogenic by clinical laboratories in ClinVar; Other NMD-predicted variants comparable to the one identified in this case have very strong previous evidence for pathogenicity (DECIPHER). Additional information: This variant is heterozygous; This gene is associated with autosomal dominant disease. Polycystic kidney disease 1 (MIM#173900) is predominantly caused by monoallelic variants, with rare reports of biallelic variants causing disease (OMIM); Loss of function is a known mechanism of disease in this gene and is associated with polycystic kidney disease 1 (MIM#173900); Inheritance information for this variant is not currently available in this individual.

GeneDx
Classification: Pathogenic. Last evaluated: 2025-01-30. Review status: criteria provided, single submitter. Criteria: GeneDx Variant Classification Process June 2021. Collection method: clinical testing. Allele origin: germline. Affected: yes.
Comment: Frameshift variant predicted to result in protein truncation or nonsense mediated decay in a gene for which loss of function is a known mechanism of disease; Not observed at significant frequency in large population cohorts (gnomAD); This variant is associated with the following publications: (PMID: 30333007, 29471960, 22185115, 35325889, 34221391)

Fulgent Genetics
Classification: Pathogenic for Polycystic kidney disease, adult type. Last evaluated: 2021-06-30. Review status: criteria provided, single submitter. Criteria: ACMG Guidelines, 2015. Collection method: clinical testing. Allele origin: unknown.
Comment: This variant has been detected in individual(s) who were sent for testing of Renasight - kidney gene panel.

(GEEPAD) Grupo de Estudio de la Enfermedad Poliquística Autosómica Dominante, Hospitales Universitarios Virgen de las Nieves y San Cecilio (Granada)
Classification: Pathogenic for Polycystic kidney disease, adult type. Last evaluated: 2021-05-12. Review status: criteria provided, single submitter. Criteria: ACMG Guidelines, 2015. Collection method: clinical testing. Allele origin: germline. Inheritance: Autosomal dominant inheritance. Affected: yes. Observed: 10 variant alleles, 10 heterozygotes. Clinical features observed: Renal cyst (HP:0000107).
Comment: It is a frameshift-type nucleotide change in which GA nucleotides are lost at positions 10527 and 10528 of the coding sequence and which predicts an amino acid change from Glutamic to Aspartic at codon 3509, causing an alteration of the reading frame and appearance of a premature stop codon The variant has been identified in 10 of our patients from 6 unrelated families, all of them afected with renal cysts . The age range at diagnosis in our cases is between 8 and 62 years old. This variant has been described before by Yu C,et al. (BMC Med Gen.2011,12:164), although variant is not found in gnomAD exomes and in gnomAD genomes databases.

Juno Genomics, Hangzhou Juno Genomics, Inc
Classification: Pathogenic for Polycystic kidney disease, adult type. Review status: criteria provided, single submitter. Criteria: ACMG Guidelines, 2015. Collection method: clinical testing. Allele origin: germline. Affected: yes.
Comment: Absent from controls (or at extremely low frequency if recessive) in Genome Aggregation Database, Exome Sequencing Project, 1000 Genomes Project, or Exome Aggregation Consortium.;Null variant in a gene where loss of function (LOF) is a known mechanism of disease.;The prevalence of the variant in affected individuals is significantly increased compared to the prevalence in controls.;Patient's phenotype or family history is highly specific for a disease with a single genetic etiology.

Literature cited by the submitters: PubMed 22185115 (cited by (GEEPAD) Grupo de Estudio de la Enfermedad Poliquística Autosómica Dominante, Hospitales Universitarios Virgen de las Nieves y San Cecilio (Granada)).

NM_001009944.3(PKD1):c.10527_10528del (p.Glu3509fs)

Genes: PKD1 (polycystin 1, transient receptor potential channel interacting; minus strand), PKD1-AS1 (PKD1 antisense RNA 1; plus strand). Cytogenetic location: 16p13.3.
Variant type: Microsatellite.
Coding change: c.10527_10528del on transcript NM_001009944.3 (MANE Select); coding-DNA positions 10527 to 10528, 2 bases deleted (GA; older notation c.10527_10528delGA).
Protein change: p.Glu3509fs; shifts the reading frame from glutamic acid 3509.
Molecular consequence: frameshift variant.
Genome position (GRCh38, 1-based): chr16:2,094,182-2,094,183, TC deleted on the plus strand (GA on the coding strand, the reverse complement: PKD1 is on the minus strand); deleting any 2 consecutive bases within chr16:2,094,182-2,094,186 gives the same sequence; the c. name uses the placement nearest the transcript's 3' end. VCF-style (leftmost placement, unchanged base first): chr16-2094181-GTC-G. GRCh37 (hg19) VCF-style: chr16-2144182-GTC-G.
Other names: c.10524_10525del, p.Glu3508fs (NM_000296.4); c.10527_10528del (NM_001009944.2); short protein forms E3508fs, E3509fs.
Identifiers: ClinVar variation 1077162 (VCV001077162.12), dbSNP rs1378307448, ClinGen allele CA718969356.
Genomic context (GRCh38, chr16:2,094,181, plus strand): 5'-TGTTCCCAGTTCAGGCCTGGGCTGGGTGGCCCCAGCTCCCCCAGCCTCTGCAGCGCCAGC[GTC>G]TCTGTCTTCTCCCCAGGAGTGCTGGACCTGAGGGACATGGTAGGCTGTGAATTCATCCCG-3'